The following is an entry in ClinVar:

ClinVar aggregate classification (germline): Likely pathogenic (1 of 4 stars; one submission).

Conditions:
Familial hypokalemia-hypomagnesemia (GTLMNS). Also called: POTASSIUM AND MAGNESIUM DEPLETION; HYPOMAGNESEMIA-HYPOKALEMIA, PRIMARY RENOTUBULAR, WITH HYPOCALCIURIA; gitelman syndrome. Identifiers: Orphanet 358, MedGen C0268450, MONDO:0009904, OMIM 263800.

Submission:

Natera, Inc.
Classification: Likely pathogenic for Gitelman syndrome. Last evaluated: 2024-04-08. Review status: criteria provided, single submitter. Criteria: Natera Variant Classification Schema (03/2026). Collection method: clinical testing. Allele origin: germline.
Comment: The c.1019delT variant in SLC12A3 is a frameshift variant predicted to shift the reading frame beginning at codon 340 and leads to a stop codon 30 codons downstream. This variant is expected to result in nonsense mediated decay, truncation, or a dysfunctional protein product. This variant is rare in the general population with a frequency below the threshold expected for the associated phenotype(s). Given the available evidence, this variant is classified as Likely Pathogenic.

NM_001126108.2(SLC12A3):c.1019del (p.Phe340fs)

Gene: SLC12A3 (solute carrier family 12 member 3; plus strand). Cytogenetic location: 16q13.
Variant type: Deletion.
Coding change: c.1019del on transcript NM_001126108.2 (MANE Select); coding-DNA position 1019, one base deleted (T; older notation c.1019delT).
Protein change: p.Phe340fs; shifts the reading frame from phenylalanine 340.
Molecular consequence: frameshift variant.
Genome position (GRCh38, 1-based): chr16:56,872,710, T deleted; the last of 2 consecutive T bases (chr16:56,872,709-56,872,710); deleting either gives the same sequence. VCF-style (leftmost placement, unchanged base first): chr16-56872708-CT-C. GRCh37 (hg19) VCF-style: chr16-56906620-CT-C.
Other names: c.1019del, p.Phe340fs (NM_000339.3); c.1016del, p.Phe339fs (NM_001126107.2, NM_001410896.1); short protein forms F339fs, F340fs.
Identifiers: ClinVar variation 4818180 (VCV004818180.1).